The following is an entry in ClinVar:

ClinVar aggregate classification (germline): Uncertain significance (1 of 4 stars; one submission).

Conditions:
RASopathy. Also called: rasopathies; Noonan spectrum disorder. Identifiers: Orphanet 536391, MedGen C5555857, MONDO:0021060.

Submission:

Labcorp Genetics (formerly Invitae), Labcorp
Classification: Uncertain significance for RASopathy. Last evaluated: 2025-07-10. Review status: criteria provided, single submitter. Criteria: Invitae Variant Classification Sherloc (09022015). Collection method: clinical testing. Allele origin: germline.
Comment: This sequence change affects codon 718 of the CBL mRNA. It is a 'silent' change, meaning that it does not change the encoded amino acid sequence of the CBL protein. It affects a nucleotide within the consensus splice site. This variant is not present in population databases (gnomAD no frequency). This variant has not been reported in the literature in individuals affected with CBL-related conditions. Algorithms developed to predict the effect of sequence changes on RNA splicing suggest that this variant is not likely to affect RNA splicing. In summary, the available evidence is currently insufficient to determine the role of this variant in disease. Therefore, it has been classified as a Variant of Uncertain Significance.

NM_005188.4(CBL):c.2154A>T (p.Arg718=)

Gene: CBL (Cbl proto-oncogene; plus strand). Cytogenetic location: 11q23.3.
Variant type: single nucleotide variant.
Coding change: c.2154A>T on transcript NM_005188.4 (MANE Select); coding-DNA position 2154, A replaced by T.
Protein change: p.Arg718=; no amino-acid change (arginine 718 retained).
Molecular consequence: synonymous variant.
Genome position (GRCh38, 1-based): chr11:119,297,384, A>T. VCF-style: chr11-119297384-A-T. GRCh37 (hg19) VCF-style: chr11-119168094-A-T.
Identifiers: ClinVar variation 4761528 (VCV004761528.1).
Genomic context (GRCh38, chr11:119,297,384, plus strand): 5'-AAGTTTATAGATAACAGTTCTATTTCCAAAGATCATTATGGCACTTTCCTTCTGGTTCAG[A>T]GCATGTGATTGCGACCAGCAGATTGATAGCTGTACGTATGAAGCAATGTATAATATTCAG-3'
Protein context (NP_005179.2, residues 708-728): LRPLDTSQSS[Arg718=]ACDCDQQIDS